The following is an entry in ClinVar:

NM_000350.3(ABCA4):c.859-13T>C

Gene: ABCA4 (ATP binding cassette subfamily A member 4; minus strand). Cytogenetic location: 1p22.1.
Variant type: single nucleotide variant.
Coding change: c.859-13T>C on transcript NM_000350.3 (MANE Select); 13 bases into the intron before coding-DNA position 859, T replaced by C.
Molecular consequence: intron variant.
Genome position (GRCh38, 1-based): chr1:94,080,731, A>G on the plus strand (T>C on the coding strand, the complement: ABCA4 is on the minus strand). VCF-style: chr1-94080731-A-G. GRCh37 (hg19) VCF-style: chr1-94546287-A-G.
Identifiers: ClinVar variation 1065707 (VCV001065707.1), dbSNP rs1246188478, ClinGen allele CA524697632.
Genomic context (GRCh38, chr1:94,080,731, plus strand): 5'-GGGCCTGGTCACCCACAGCAAGTCCTGCATACTCGGCCGATGGATAAACTAGGGCAAGGC[A>G]AAGTCTTCAGGTTATTTTAAGGCAGCTAGAGTCATAATCTGCTGTGAGGCCAATGCTCCA-3'

ClinVar aggregate classification (germline): Uncertain significance (1 of 4 stars; one submission).

Conditions:
Severe early-childhood-onset retinal dystrophy (STGD1). Also called: STGD; Stargardt macular dystrophy; Juvenile onset macular degeneration; Stargardt disease 1; MACULAR DYSTROPHY WITH FLECKS, TYPE 1. Identifiers: Orphanet 364055, Orphanet 827, MedGen C1855465, MeSH D000080362, MONDO:0009549, OMIM 248200.

Allele frequency attached by ClinVar (database versions not stated): gnomAD exomes below 0.00001.
gnomAD v4.1: 1 of 1,614,158 alleles (0.000062%); highest among the groups gnomAD compares: South Asian, 0.0011%; no homozygotes.

Submission:

Ocular Genomics Institute, Massachusetts Eye and Ear
Classification: Uncertain significance for Severe early-childhood-onset retinal dystrophy. Last evaluated: 2021-04-08. Review status: criteria provided, single submitter. Criteria: ACMG Guidelines, 2015. Collection method: research. Allele origin: germline. Affected: yes.
Comment: Through a review of available evidence we were able to apply the following criteria: PM2. Based on this evidence we have classified this variant as Variant of Uncertain Significance.